The following is an entry in ClinVar:

NM_025074.7(FRAS1):c.11544del (p.Arg3849fs)

Gene: FRAS1 (Fraser extracellular matrix complex subunit 1; plus strand). Cytogenetic location: 4q21.21.
Variant type: Deletion.
Coding change: c.11544del on transcript NM_025074.7 (MANE Select); coding-DNA position 11544, one base deleted (C; older notation c.11544delC).
Protein change: p.Arg3849fs; shifts the reading frame from arginine 3849.
Molecular consequence: frameshift variant.
Genome position (GRCh38, 1-based): chr4:78,540,629, C deleted. VCF-style (leftmost placement, unchanged base first): chr4-78540628-TC-T. GRCh37 (hg19) VCF-style: chr4-79461782-TC-T.
Other names: short protein forms R3849fs.
Identifiers: ClinVar variation 1209978 (VCV001209978.7), dbSNP rs776789412, ClinGen allele CA99968491.
Genomic context (GRCh38, chr4:78,540,628, plus strand): 5'-ACATCATTGGCCCTGACACCATCTCAGGGCCCCGGGTCCAGCGCTCTCTCACAGCTCCAC[TC>T]AGACGCAACCGAAGGGACCTGGTAGAGCCCGATGGCCAGCTGATCCTTGATGATTCCCTC-3'

ClinVar aggregate classification (germline): Likely pathogenic. Review status: criteria provided, multiple submitters, no conflicts (2 of 4 stars). 5 submissions from 5 submitters: Likely pathogenic (2). 3 of the submissions do not count toward it. Last evaluated 2024-04-23.

Conditions:
Fraser syndrome 1 (FRASRS1). Also called: CRYPTOPHTHALMOS WITH OTHER MALFORMATIONS. Identifiers: Orphanet 2052, MedGen C4551480, MONDO:0054737, OMIM 219000.

Allele frequency attached by ClinVar (database versions not stated): gnomAD exomes below 0.00001.

Submissions (5):

Fulgent Genetics
Classification: Likely pathogenic for Fraser syndrome 1. Last evaluated: 2024-04-23. Review status: criteria provided, single submitter. Criteria: ACMG Guidelines, 2015. Collection method: clinical testing. Allele origin: germline.

Labcorp Genetics (formerly Invitae), Labcorp
Classification: Likely pathogenic. Last evaluated: 2023-06-16. Review status: criteria provided, single submitter. Criteria: Invitae Variant Classification Sherloc (09022015). Collection method: clinical testing. Allele origin: germline.
Comment: This sequence change creates a premature translational stop signal (p.Arg3849Aspfs*8) in the FRAS1 gene. While this is not anticipated to result in nonsense mediated decay, it is expected to disrupt the last 164 amino acid(s) of the FRAS1 protein. This variant is not present in population databases (gnomAD no frequency). This premature translational stop signal has been observed in individuals with Fraser syndrome (PMID: 18671281, 32488952). This variant disrupts the C-terminus of the FRAS1 protein. Other variant(s) that disrupt this region (p.Asn3967Glufs*2) have been observed in individuals with FRAS1-related conditions (PMID: 31923588). This suggests that this may be a clinically significant region of the protein. ClinVar contains an entry for this variant (Variation ID: 1209978). In summary, the currently available evidence indicates that the variant is pathogenic, but additional data are needed to prove that conclusively. Therefore, this variant has been classified as Likely Pathogenic.

Clinical Genetics DNA and cytogenetics Diagnostics Lab, Erasmus MC, Erasmus Medical Center
Classification: Pathogenic. Review status: no assertion criteria provided. Collection method: clinical testing. Allele origin: germline. Affected: yes. Study: VKGL Data-share Consensus. Not counted in ClinVar's aggregate classification.

Genome Diagnostics Laboratory, Amsterdam University Medical Center
Classification: Pathogenic. Review status: no assertion criteria provided. Collection method: clinical testing. Allele origin: germline. Affected: yes. Study: VKGL Data-share Consensus. Not counted in ClinVar's aggregate classification.

Genome Diagnostics Laboratory, University Medical Center Utrecht
Classification: Pathogenic. Review status: no assertion criteria provided. Collection method: clinical testing. Allele origin: germline. Affected: yes. Study: VKGL Data-share Consensus. Not counted in ClinVar's aggregate classification.

Literature cited by the submitters: PubMed 18671281 (cited by Labcorp Genetics (formerly Invitae), Labcorp); PubMed 32488952 (cited by Labcorp Genetics (formerly Invitae), Labcorp); PubMed 31923588 (cited by Labcorp Genetics (formerly Invitae), Labcorp).